The following is an entry in ClinVar:

ClinVar aggregate classification (germline): Uncertain significance (1 of 4 stars; one submission).

Allele frequency attached by ClinVar (database versions not stated): gnomAD 0.00001; TOPMed 0.00002.
gnomAD v4.1: 11 of 1,613,930 alleles (0.00068%); highest among the groups gnomAD compares: Admixed American, 0.012%; no homozygotes.

Submission:

Labcorp Genetics (formerly Invitae), Labcorp
Classification: Uncertain significance. Last evaluated: 2023-03-31. Review status: criteria provided, single submitter. Criteria: Invitae Variant Classification Sherloc (09022015). Collection method: clinical testing. Allele origin: germline.
Comment: This variant is present in population databases (rs750807988, gnomAD 0.02%). This variant has not been reported in the literature in individuals affected with ADCY5-related conditions. Advanced modeling of protein sequence and biophysical properties (such as structural, functional, and spatial information, amino acid conservation, physicochemical variation, residue mobility, and thermodynamic stability) performed at Invitae indicates that this missense variant is not expected to disrupt ADCY5 protein function. In summary, the available evidence is currently insufficient to determine the role of this variant in disease. Therefore, it has been classified as a Variant of Uncertain Significance. This sequence change replaces alanine, which is neutral and non-polar, with threonine, which is neutral and polar, at codon 1078 of the ADCY5 protein (p.Ala1078Thr).

NM_183357.3(ADCY5):c.3232G>A (p.Ala1078Thr)

Gene: ADCY5 (adenylate cyclase 5; minus strand). Cytogenetic location: 3q21.1.
Variant type: single nucleotide variant.
Coding change: c.3232G>A on transcript NM_183357.3 (MANE Select); coding-DNA position 3232, G replaced by A.
Protein change: p.Ala1078Thr; replaces alanine 1078 with threonine.
Molecular consequence: missense variant.
Genome position (GRCh38, 1-based): chr3:123,291,208, C>T on the plus strand (G>A on the coding strand, the complement: ADCY5 is on the minus strand). VCF-style: chr3-123291208-C-T. GRCh37 (hg19) VCF-style: chr3-123010055-C-T.
Other names: c.2182G>A, p.Ala728Thr (NM_001199642.1); c.3307G>A, p.Ala1103Thr (NM_001378259.1); short protein forms A1078T, A728T, A1103T.
Identifiers: ClinVar variation 2988005 (VCV002988005.3), dbSNP rs750807988, ClinGen allele CA2576823.
Genomic context (GRCh38, chr3:123,291,208, plus strand): 5'-GCAGGCACTCGACACCCTCGTTGTTGGCCTCCAGCTCAACGTAGAACTCGGAGAAGTTGG[C>T]GATGGAGGCGAACATGACCGCCACACACTCACAGGACTGATAGTAGAGCTCATCATTGCG-3'
Protein context (NP_899200.1, residues 1068-1088): ECVAVMFASI[Ala1078Thr]NFSEFYVELE